The following is an entry in ClinVar:

NC_000009.12:g.35657982A>G

Gene: RMRP (RNA component of mitochondrial RNA processing endoribonuclease; minus strand). Cytogenetic location: 9p13.3.
Variant type: single nucleotide variant.
Genome position: GRCh38 VCF-style: chr9-35657982-A-G. GRCh37 (hg19) VCF-style: chr9-35657979-A-G.
Identifiers: ClinVar variation 2047189 (VCV002047189.3), dbSNP rs961529478, ClinGen allele CA192745697.

ClinVar aggregate classification (germline): Uncertain significance (1 of 4 stars; one submission).

Conditions:
Anauxetic dysplasia. Identifiers: Orphanet 93347, MedGen C1846796, MONDO:0011773.

gnomAD v4.1: 18 of 700,316 alleles (0.0026%); highest among the groups gnomAD compares: Admixed American, 0.01%; no homozygotes.

Submission:

Labcorp Genetics (formerly Invitae), Labcorp
Classification: Uncertain significance for Anauxetic dysplasia. Last evaluated: 2025-10-27. Review status: criteria provided, single submitter. Criteria: Invitae Variant Classification Sherloc (09022015). Collection method: clinical testing. Allele origin: germline.
Comment: This variant occurs in the RMRP gene, which encodes an RNA molecule that does not result in a protein product. This variant is present in population databases (no rsID available, gnomAD 0.01%). This variant has not been reported in the literature in individuals affected with RMRP-related conditions. ClinVar contains an entry for this variant (Variation ID: 2047189). Experimental studies and prediction algorithms are not available or were not evaluated, and the functional significance of this variant is currently unknown. In summary, the available evidence is currently insufficient to determine the role of this variant in disease. Therefore, it has been classified as a Variant of Uncertain Significance.